The following is an entry in ClinVar:

ClinVar aggregate classification (germline): Pathogenic/Likely pathogenic. Review status: criteria provided, multiple submitters, no conflicts (2 of 4 stars). 5 submissions from 5 submitters: Pathogenic (3); Likely pathogenic (2). Last evaluated 2025-06-23.

Conditions:
Isovaleryl-CoA dehydrogenase deficiency (IVA). Also called: Isovaleric acidemia; IVD DEFICIENCY; ISOVALERIC ACID CoA DEHYDROGENASE DEFICIENCY; Classic Isovaleric Acidemia. Identifiers: Orphanet 33, MedGen C0268575, MONDO:0009475, OMIM 243500.

Allele frequency attached by ClinVar (database versions not stated): gnomAD below 0.00001 and 0.00001; gnomAD exomes below 0.00001; ExAC 0.00001; 1000 Genomes Project 30x 0.00016; 1000 Genomes Project 0.00020.
gnomAD v4.1: 4 of 1,614,108 alleles (0.00025%); highest among the groups gnomAD compares: South Asian, 0.0044%; no homozygotes.

Submissions (5):

Natera, Inc.
Classification: Likely pathogenic for Isovaleryl-coa dehydrogenase deficiency. Last evaluated: 2025-06-23. Review status: criteria provided, single submitter. Criteria: Natera Variant Classification Schema (03/2026). Collection method: clinical testing. Allele origin: germline.
Comment: The c.252G>A variant in IVD is a nonsense variant predicted to introduce a stop codon at amino acid 84. This variant is expected to result in nonsense mediated decay, truncation, or a dysfunctional protein product. This variant is rare in the general population with a frequency below the threshold expected for the associated phenotype(s). Given the available evidence, this variant is classified as Likely Pathogenic.

Genetics and Genomic Medicine Centre, NeuroGen Healthcare, NeuroGen Healthcare
Classification: Pathogenic for Isovaleryl-CoA dehydrogenase deficiency. Last evaluated: 2024-05-15. Review status: criteria provided, single submitter. Criteria: ACMG Guidelines, 2015. Collection method: clinical testing. Allele origin: unknown. Affected: yes.

Baylor Genetics
Classification: Likely pathogenic for Isovaleryl-CoA dehydrogenase deficiency. Last evaluated: 2023-12-02. Review status: criteria provided, single submitter. Criteria: ACMG Guidelines, 2015. Collection method: clinical testing. Allele origin: unknown.

Labcorp Genetics (formerly Invitae), Labcorp
Classification: Pathogenic for Isovaleryl-CoA dehydrogenase deficiency. Last evaluated: 2021-07-03. Review status: criteria provided, single submitter. Criteria: Invitae Variant Classification Sherloc (09022015). Collection method: clinical testing. Allele origin: germline.
Comment: This sequence change creates a premature translational stop signal (p.Trp84*) in the IVD gene. It is expected to result in an absent or disrupted protein product. Loss-of-function variants in IVD are known to be pathogenic (PMID: 16602101). This variant is present in population databases (rs540375168, ExAC 0.006%). This variant has not been reported in the literature in individuals affected with IVD-related conditions. ClinVar contains an entry for this variant (Variation ID: 653100). For these reasons, this variant has been classified as Pathogenic.

Kasturba Medical College, Manipal, Kasturba Medical College, Manipal, Manipal Academy of Higher Education, Manipal, India
Classification: Pathogenic for Isovaleryl-CoA dehydrogenase deficiency. Review status: criteria provided, single submitter. Criteria: ACMG Guidelines, 2015. Collection method: research. Allele origin: biparental. Inheritance: Autosomal recessive inheritance. Affected: yes. Observed: 1 homozygote.
Comment: The variant is present in four individuals in a heterozygous state and absent in a homozygous state in gnomAD (v4.1.0). The variant is absent in homozygous and/or heterozygous state in our in-house database of 3274 exomes. The variant is reported in the ClinVar database as pathogenic by one submitter and as likely pathogenic by another submitter (Accession: VCV000653100.7). This variant is predicted to cause premature termination of the transcript, which will either lead to nonsense-mediated mRNA decay or the formation of a truncated protein product. The clinical features observed in the proband are in concordance with isovaleric acidemia. Thus, the above-mentioned variant in a homozygous state is interpreted to be the cause for the condition observed in the proband.

Literature cited by the submitters: PubMed 16602101 (cited by Labcorp Genetics (formerly Invitae), Labcorp).

NM_002225.5(IVD):c.243G>A (p.Trp81Ter)

Gene: IVD (isovaleryl-CoA dehydrogenase; plus strand). Cytogenetic location: 15q15.1.
Variant type: single nucleotide variant.
Coding change: c.243G>A on transcript NM_002225.5 (MANE Select); coding-DNA position 243, G replaced by A.
Protein change: p.Trp81Ter; replaces tryptophan 81 with a stop codon.
Molecular consequence: nonsense. On other transcripts: non-coding transcript variant (1).
Genome position (GRCh38, 1-based): chr15:40,407,947, G>A. VCF-style: chr15-40407947-G-A. GRCh37 (hg19) VCF-style: chr15-40700146-G-A.
Other names: c.153G>A, p.Trp51Ter (NM_001159508.3); c.195G>A, p.Trp65Ter (NM_001354597.3); c.243G>A, p.Trp81Ter (NM_001354598.3, NM_001354601.3); c.330G>A, p.Trp110Ter (NM_001354599.3, NM_001354600.3); short protein forms W81*, W110*, W51*, W65*.
Identifiers: ClinVar variation 653100 (VCV000653100.11), dbSNP rs540375168, ClinGen allele CA7480567.